The following is an entry in ClinVar:

NM_001270974.2(HYDIN):c.2907C>T (p.Val969=)

Gene: HYDIN (HYDIN axonemal central pair apparatus protein; minus strand). Cytogenetic location: 16q22.2.
Variant type: single nucleotide variant.
Coding change: c.2907C>T on transcript NM_001270974.2 (MANE Select); coding-DNA position 2907, C replaced by T.
Protein change: p.Val969=; no amino-acid change (valine 969 retained).
Molecular consequence: synonymous variant.
Genome position (GRCh38, 1-based): chr16:71,027,737, G>A on the plus strand (C>T on the coding strand, the complement: HYDIN is on the minus strand). VCF-style: chr16-71027737-G-A. GRCh37 (hg19) VCF-style: chr16-71061640-G-A.
Other names: c.2907C>T, p.Val969= (NM_017558.5).
Identifiers: ClinVar variation 2646783 (VCV002646783.24), dbSNP rs1232950053, ClinGen allele CA496406038.

ClinVar aggregate classification (germline): Likely benign (1 of 4 stars; one submission).

Allele frequency attached by ClinVar (database versions not stated): gnomAD 0.00003.

Submission:

CeGaT Center for Human Genetics Tuebingen
Classification: Likely benign. Last evaluated: 2025-07-01. Review status: criteria provided, single submitter. Criteria: CeGaT Center For Human Genetics Tuebingen Variant Classification Criteria Version 2. Collection method: clinical testing. Allele origin: germline. Affected: yes. Observed: 3 variant alleles.
Comment: HYDIN: BP4, BP7